The following is an entry in ClinVar:

NM_001282860.2(GON4L):c.1347G>A (p.Pro449=)

Gene: GON4L (gon-4 like; minus strand). Cytogenetic location: 1q22.
Variant type: single nucleotide variant.
Coding change: c.1347G>A on transcript NM_001282860.2 (MANE Select); coding-DNA position 1347, G replaced by A.
Protein change: p.Pro449=; no amino-acid change (proline 449 retained).
Molecular consequence: synonymous variant.
Genome position (GRCh38, 1-based): chr1:155,813,739, C>T on the plus strand (G>A on the coding strand, the complement: GON4L is on the minus strand). VCF-style: chr1-155813739-C-T. GRCh37 (hg19) VCF-style: chr1-155783530-C-T.
Other names: c.1347G>A, p.Pro449= (NM_001282856.2, NM_001282858.2, NM_001282861.2 and 1 more transcripts).
Identifiers: ClinVar variation 3031780 (VCV003031780.2), dbSNP rs368634028, ClinGen allele CA1151138.

ClinVar aggregate classification (germline): Likely benign (0 of 4 stars; one submission).

Conditions:
GON4L-related disorder. Also called: GON4L-related condition.

Allele frequency attached by ClinVar (database versions not stated): ExAC 0.00002; TOPMed 0.00002; gnomAD 0.00003; ESP Exome Variant Server 0.00008.
gnomAD v4.1: 90 of 1,612,728 alleles (0.0056%); highest among the groups gnomAD compares: Non-Finnish European, 0.0072%; no homozygotes.

Submission:

PreventionGenetics, part of Exact Sciences
Classification: Likely benign for GON4L-related condition. Last evaluated: 2021-12-28. Review status: no assertion criteria provided. Collection method: clinical testing. Allele origin: germline.
Comment: This variant is classified as likely benign based on ACMG/AMP sequence variant interpretation guidelines (Richards et al. 2015 PMID: 25741868, with internal and published modifications).